The following is an entry in ClinVar:

NM_001330700.2(TOP2B):c.4085G>C (p.Arg1362Thr)

Gene: TOP2B (DNA topoisomerase II beta; minus strand). Cytogenetic location: 3p24.2.
Variant type: single nucleotide variant.
Coding change: c.4085G>C on transcript NM_001330700.2 (MANE Select); coding-DNA position 4085, G replaced by C.
Protein change: p.Arg1362Thr; replaces arginine 1362 with threonine.
Molecular consequence: missense variant.
Genome position (GRCh38, 1-based): chr3:25,609,191, C>G on the plus strand (G>C on the coding strand, the complement: TOP2B is on the minus strand). VCF-style: chr3-25609191-C-G. GRCh37 (hg19) VCF-style: chr3-25650682-C-G.
Other names: c.4070G>C, p.Arg1357Thr (NM_001068.3); short protein forms R1357T, R1362T.
Identifiers: ClinVar variation 1423355 (VCV001423355.6), dbSNP rs2125351143, ClinGen allele CA351893361.

ClinVar aggregate classification (germline): Uncertain significance (1 of 4 stars; one submission).

Submission:

Labcorp Genetics (formerly Invitae), Labcorp
Classification: Uncertain significance. Last evaluated: 2023-08-30. Review status: criteria provided, single submitter. Criteria: Invitae Variant Classification Sherloc (09022015). Collection method: clinical testing. Allele origin: germline.
Comment: In summary, the available evidence is currently insufficient to determine the role of this variant in disease. Therefore, it has been classified as a Variant of Uncertain Significance. An algorithm developed to predict the effect of missense changes on protein structure and function (PolyPhen-2) suggests that this variant is likely to be disruptive. ClinVar contains an entry for this variant (Variation ID: 1423355). This variant has not been reported in the literature in individuals affected with TOP2B-related conditions. This variant is not present in population databases (gnomAD no frequency). This sequence change replaces arginine, which is basic and polar, with threonine, which is neutral and polar, at codon 1357 of the TOP2B protein (p.Arg1357Thr).